The following is an entry in ClinVar:

ClinVar aggregate classification (germline): Pathogenic (1 of 4 stars; one submission).

Submission:

ISCA site 15
Classification: Pathogenic. Last evaluated: 2011-08-12. Review status: criteria provided, single submitter. Criteria: Kaminsky et al. (Genet Med. 2011). Collection method: clinical testing. Allele origin: de novo. Affected: yes. Observed: 1 variant allele.
Comment: Copy number variation identified through the course of routine clinical cytogenomic testing in postnatal populations. Clinical assertions have been curated as described in Kaminsky et al. 2011.

GRCh38/hg38 17q24.2-24.3(chr17:67833866-70085854)x1

Genes: ABCA10 (ATP binding cassette subfamily A member 10; minus strand), ABCA5 (ATP binding cassette subfamily A member 5; minus strand), ABCA6 (ATP binding cassette subfamily A member 6; minus strand), ABCA8 (ATP binding cassette subfamily A member 8; minus strand), ABCA9 (ATP binding cassette subfamily A member 9; minus strand) and 82 more. Cytogenetic location: 17q24.2-24.3.
Variant type: copy number loss.
Change: copy number 1 (one copy instead of two) of chr17:67,833,866-70,085,854 (2.25 Mb, GRCh38 coordinates, 1-based), cytogenetic band 17q24.2-24.3.
Identifiers: ClinVar variation 59609 (VCV000059609.1).